The following is an entry in ClinVar:

ClinVar aggregate classification (germline): Pathogenic (1 of 4 stars; one submission).

Conditions:
Marfan syndrome (MFS). Also called: MARFAN SYNDROME, TYPE I; Marfan syndrome type 1; Marfan's syndrome; Marfan syndrome, classic; FBN1-Related Marfan Syndrome. Identifiers: Orphanet 284963, Orphanet 558, MedGen C0024796, MONDO:0007947, OMIM 154700.
Familial thoracic aortic aneurysm and aortic dissection (TAAD). Also called: Thoracic aortic aneurysms and dissections. Identifiers: Orphanet 91387, MedGen C4707243, MONDO:0019625.

Submission:

Labcorp Genetics (formerly Invitae), Labcorp
Classification: Pathogenic for Marfan syndrome; Familial thoracic aortic aneurysm and aortic dissection. Last evaluated: 2023-05-24. Review status: criteria provided, single submitter. Criteria: Invitae Variant Classification Sherloc (09022015). Collection method: clinical testing. Allele origin: germline.
Comment: For these reasons, this variant has been classified as Pathogenic. This variant disrupts a region of the FBN1 protein in which other variant(s) (p.Gln2867*) have been determined to be pathogenic (PMID: 19293843). This suggests that this is a clinically significant region of the protein, and that variants that disrupt it are likely to be disease-causing. This premature translational stop signal has been observed in individual(s) with Marfan sydrome (PMID: 21034599). This variant is not present in population databases (gnomAD no frequency). This sequence change creates a premature translational stop signal (p.Tyr2849*) in the FBN1 gene. While this is not anticipated to result in nonsense mediated decay, it is expected to disrupt the last 23 amino acid(s) of the FBN1 protein.

Literature cited by the submitters: PubMed 19293843; PubMed 21034599.

NM_000138.5(FBN1):c.8546_8547del (p.Lys2848_Tyr2849insTer)

Gene: FBN1 (fibrillin 1; minus strand). Cytogenetic location: 15q21.1.
Variant type: Microsatellite.
Coding change: c.8546_8547del on transcript NM_000138.5 (MANE Select); coding-DNA positions 8546 to 8547, 2 bases deleted (AT; older notation c.8546_8547delAT).
Protein change: p.Lys2848_Tyr2849insTer.
Molecular consequence: nonsense.
Genome position (GRCh38, 1-based): chr15:48,411,059-48,411,060, AT deleted on the plus strand (AT on the coding strand, the reverse complement: FBN1 is on the minus strand); deleting any 2 consecutive bases within chr15:48,411,059-48,411,062 gives the same sequence; the c. name uses the placement nearest the transcript's 3' end. VCF-style (leftmost placement, unchanged base first): chr15-48411058-CAT-C. GRCh37 (hg19) VCF-style: chr15-48703255-CAT-C.
Other names: c.8546_8547del, p.Lys2848_Tyr2849insTer (NM_001406716.1).
Identifiers: ClinVar variation 2948184 (VCV002948184.3), dbSNP rs2505370468, ClinGen allele CA2740096554.
Genomic context (GRCh38, chr15:48,411,058, plus strand): 5'-GCAAAACCTGGATTTTCATCTTCAGATTATCACCCAGTTCACCACTGAGGTAGTCTTTGT[CAT>C]ATTTGTCTTCTAGTTGGTTAAGTTCTTTCTTTTTATAAAGTGGAGTACTACTGATTTGTA-3'